The following is an entry in ClinVar:

ClinVar aggregate classification (germline): Uncertain significance (1 of 4 stars; one submission).

Conditions:
Cardiovascular phenotype. Identifiers: MedGen CN230736.
Hereditary cancer-predisposing syndrome. Also called: Neoplastic Syndromes, Hereditary; Tumor predisposition; Hereditary Cancer Syndrome; Hereditary neoplastic syndrome. Identifiers: Orphanet 140162, MedGen C0027672, MeSH D009386, MONDO:0015356.

Submission:

Ambry Genetics
Classification: Uncertain significance for Cardiovascular phenotype; Hereditary cancer-predisposing syndrome. Last evaluated: 2026-05-01. Review status: criteria provided, single submitter. Criteria: Ambry Variant Classification Scheme 2023. Collection method: clinical testing. Allele origin: germline.
Comment: The p.E1898G variant (also known as c.5693A>G), located in coding exon 38 of the NF1 gene, results from an A to G substitution at nucleotide position 5693. The glutamic acid at codon 1898 is replaced by glycine, an amino acid with similar properties. This amino acid position is conserved. In addition, this alteration is predicted to be deleterious by in silico analysis. Based on the available evidence, the clinical significance of this variant remains unclear.

NM_001042492.3(NF1):c.5756A>G (p.Glu1919Gly)

Gene: NF1 (neurofibromin 1; plus strand). Cytogenetic location: 17q11.2.
Variant type: single nucleotide variant.
Coding change: c.5756A>G on transcript NM_001042492.3 (MANE Select); coding-DNA position 5756, A replaced by G.
Protein change: p.Glu1919Gly; replaces glutamic acid 1919 with glycine.
Molecular consequence: missense variant.
Genome position (GRCh38, 1-based): chr17:31,330,442, A>G. VCF-style: chr17-31330442-A-G. GRCh37 (hg19) VCF-style: chr17-29657460-A-G.
Other names: c.5693A>G, p.Glu1898Gly (NM_000267.4); short protein forms E1919G, E1898G.
Identifiers: ClinVar variation 3404951 (VCV003404951.2).
Genomic context (GRCh38, chr17:31,330,442, plus strand): 5'-GTATCCCTGCCAACAACACCCTCTTTATTGTCTCTATTAGTAAGACACTGGCAGCCAATG[A>G]GCCACACCTCACGTTAGAATTTTTGGAAGAGTGTATTTCTGGATTTAGCAAATCTAGTAA-3'
Protein context (NP_001035957.1, residues 1909-1929): VSISKTLAAN[Glu1919Gly]PHLTLEFLEE